The following is an entry in ClinVar:

NM_014297.5(ETHE1):c.604dup (p.Val202fs)

Gene: ETHE1 (ETHE1 persulfide dioxygenase; minus strand). Cytogenetic location: 19q13.31.
Variant type: Duplication.
Coding change: c.604dup on transcript NM_014297.5 (MANE Select); coding-DNA position 604, one base duplicated (G; older notation c.604dupG).
Protein change: p.Val202fs; shifts the reading frame from valine 202.
Molecular consequence: frameshift variant.
Genome position (GRCh38, 1-based): chr19:43,508,052, C duplicated on the plus strand (G on the coding strand, the reverse complement: ETHE1 is on the minus strand). VCF-style (leftmost placement, unchanged base first): chr19-43508051-A-AC. GRCh37 (hg19) VCF-style: chr19-44012203-A-AC.
Other names: c.571dup, p.Val191fs (NM_001320867.2); c.235dup, p.Val79fs (NM_001320868.2); c.310dup, p.Val104fs (NM_001320869.2); short protein forms V79fs, V202fs, V104fs, V191fs.
Identifiers: ClinVar variation 504504 (VCV000504504.4), dbSNP rs1555761934, ClinGen allele CA658799240.
Genomic context (GRCh38, chr19:43,508,051, plus strand): 5'-AACTCCTCACAGCTGAGGGTGAGCCGAGGGTTCAGAGTCCTCTCCTCCTCCACGGTGGAC[A>AC]CTGTGAACCCTAGGGGCCAAGGGAGGGGAAGGAAAGTCAAGGAGTCTAGTGCCTCAGGCC-3'

ClinVar aggregate classification (germline): Pathogenic. Review status: reviewed by expert panel (3 of 4 stars). 3 submissions from 3 submitters: Pathogenic (1). 2 of the submissions do not count toward it. Last evaluated 2021-05-07.

Conditions:
Ethylmalonic encephalopathy (EE). Also called: EPEMA syndrome; Encephalopathy, petechiae, and ethylmalonic aciduria; Syndrome of encephalopathy, petechiae, and ethylmalonic aciduria. Identifiers: Orphanet 51188, MedGen C1865349, MONDO:0011229, OMIM 602473. Disease mechanism: loss of function.

Allele frequency attached by ClinVar (database versions not stated): TOPMed below 0.00001.

Submissions (3):

ClinGen Mitochondrial Disease Nuclear and Mitochondrial  Variant Curation Expert Panel, ClinGen
Classification: Pathogenic for Ethylmalonic encephalopathy. Last evaluated: 2021-05-07. Review status: reviewed by expert panel. Criteria: ClinGen Mito Disease ACMG Specifications v1. Collection method: curation. Allele origin: germline. Inheritance: Autosomal recessive inheritance.
Comment: The c.604dupG; p.V202FsX220 variant in the ETHE1 gene is a frameshift variant resulting in truncation greater than 50 bp upstream of the final exon and is predicted to undergo nonsense mediated decay (PVS1). This variant is absent from population databases (PM2). A single homozygote is reported in multiple publications (PMID: 14732903, PMID: 16183799, PMID: 18593870), confirmed through linkage analysis (PM3_supporting; scored 0.5 per SVI PM3 guidance v1.). PMID: 14732903 reports this patient initially with a classic presentation of ethylmalonic encephalopathy, including acrocyanosis, petechiae, chronic diarrhea and developmental delay with urinary ethylmalonic aciduria of 320 mg/g creatine (PP4_moderate). In summary, this variant meets criteria to be classified as a pathogenic of ETHE1-related ethylmalonic encephalopathy in an autosomal recessive manner. ETHE1-specific ACMG/AMP criteria applied: (PVS1, PM2, PM3_supporting, PP4_moderate).

OMIM
Classification: Pathogenic for ENCEPHALOPATHY, ETHYLMALONIC. Last evaluated: 2004-02-01. Review status: no assertion criteria provided. Collection method: literature only. Allele origin: germline. Not counted in ClinVar's aggregate classification.

GeneReviews
No classification provided. Condition: Ethylmalonic encephalopathy. Review status: no classification provided. Collection method: literature only. Allele origin: germline. Not counted in ClinVar's aggregate classification.

Literature cited by the submitters: PubMed 14732903 (cited by OMIM); NCBI Bookshelf NBK453432 (cited by GeneReviews); PubMed 28933811 (cited by GeneReviews).